The following is an entry in ClinVar:

ClinVar aggregate classification (germline): Uncertain significance (1 of 4 stars; one submission).

Conditions:
Adams-Oliver syndrome 5 (AOS5). Identifiers: Orphanet 974, MedGen C4014970, MONDO:0014459, OMIM 616028.

Allele frequency attached by ClinVar (database versions not stated): gnomAD exomes 0.00001 and below 0.00001; TOPMed 0.00002; gnomAD 0.00001; ExAC 0.00002.
gnomAD v4.1: 8 of 1,612,246 alleles (0.0005%); highest among the groups gnomAD compares: Admixed American, 0.0033%; no homozygotes.

Submission:

Labcorp Genetics (formerly Invitae), Labcorp
Classification: Uncertain significance for Adams-Oliver syndrome 5. Last evaluated: 2022-01-05. Review status: criteria provided, single submitter. Criteria: Invitae Variant Classification Sherloc (09022015). Collection method: clinical testing. Allele origin: germline.
Comment: This variant has not been reported in the literature in individuals affected with NOTCH1-related conditions. This variant is present in population databases (rs759998676, gnomAD 0.003%). This sequence change replaces arginine, which is basic and polar, with histidine, which is basic and polar, at codon 2098 of the NOTCH1 protein (p.Arg2098His). ClinVar contains an entry for this variant (Variation ID: 566348). In summary, the available evidence is currently insufficient to determine the role of this variant in disease. Therefore, it has been classified as a Variant of Uncertain Significance. Advanced modeling of protein sequence and biophysical properties (such as structural, functional, and spatial information, amino acid conservation, physicochemical variation, residue mobility, and thermodynamic stability) performed at Invitae indicates that this missense variant is not expected to disrupt NOTCH1 protein function.

NM_017617.5(NOTCH1):c.6293G>A (p.Arg2098His)

Gene: NOTCH1 (notch receptor 1; minus strand). Cytogenetic location: 9q34.3.
Variant type: single nucleotide variant.
Coding change: c.6293G>A on transcript NM_017617.5 (MANE Select); coding-DNA position 6293, G replaced by A.
Protein change: p.Arg2098His; replaces arginine 2098 with histidine.
Molecular consequence: missense variant.
Genome position (GRCh38, 1-based): chr9:136,497,446, C>T on the plus strand (G>A on the coding strand, the complement: NOTCH1 is on the minus strand). VCF-style: chr9-136497446-C-T. GRCh37 (hg19) VCF-style: chr9-139391898-C-T.
Other names: c.6293G>A, p.Arg2098His (LRG_1122t1); short protein forms R2098H.
Identifiers: ClinVar variation 566348 (VCV000566348.6), dbSNP rs759998676, ClinGen allele CA5339944.